The following is an entry in ClinVar:

ClinVar aggregate classification (germline): Uncertain significance. Review status: criteria provided, multiple submitters, no conflicts (2 of 4 stars). 2 submissions from 2 submitters: Uncertain significance (2). Last evaluated 2023-06-24.

Allele frequency attached by ClinVar (database versions not stated): TOPMed 0.00004; gnomAD exomes 0.00005; gnomAD 0.00006; ExAC 0.00009; 1000 Genomes Project 30x 0.00016; 1000 Genomes Project 0.00020.
gnomAD v4.1: 84 of 1,613,632 alleles (0.0052%); highest among the groups gnomAD compares: South Asian, 0.016%; no homozygotes.

Submissions (2):

Labcorp Genetics (formerly Invitae), Labcorp
Classification: Uncertain significance. Last evaluated: 2023-06-24. Review status: criteria provided, single submitter. Criteria: Invitae Variant Classification Sherloc (09022015). Collection method: clinical testing. Allele origin: germline.
Comment: This variant is present in population databases (rs548463254, gnomAD 0.02%). This sequence change replaces proline, which is neutral and non-polar, with leucine, which is neutral and non-polar, at codon 1233 of the SRCAP protein (p.Pro1233Leu). This variant has not been reported in the literature in individuals affected with SRCAP-related conditions. In summary, the available evidence is currently insufficient to determine the role of this variant in disease. Therefore, it has been classified as a Variant of Uncertain Significance. Advanced modeling of protein sequence and biophysical properties (such as structural, functional, and spatial information, amino acid conservation, physicochemical variation, residue mobility, and thermodynamic stability) performed at Invitae indicates that this missense variant is not expected to disrupt SRCAP protein function.

CeGaT Center for Human Genetics Tuebingen
Classification: Uncertain significance. Last evaluated: 2022-06-01. Review status: criteria provided, single submitter. Criteria: CeGaT Center For Human Genetics Tuebingen Variant Classification Criteria Version 2. Collection method: clinical testing. Allele origin: germline. Affected: yes. Observed: 1 variant allele.

NM_006662.3(SRCAP):c.3698C>T (p.Pro1233Leu)

Gene: SRCAP (Snf2 related CREBBP activator protein; plus strand). Cytogenetic location: 16p11.2.
Variant type: single nucleotide variant.
Coding change: c.3698C>T on transcript NM_006662.3 (MANE Select); coding-DNA position 3698, C replaced by T.
Protein change: p.Pro1233Leu; replaces proline 1233 with leucine.
Molecular consequence: missense variant.
Genome position (GRCh38, 1-based): chr16:30,722,278, C>T. VCF-style: chr16-30722278-C-T. GRCh37 (hg19) VCF-style: chr16-30733599-C-T.
Other names: short protein forms P1233L.
Identifiers: ClinVar variation 2646397 (VCV002646397.27), dbSNP rs548463254, ClinGen allele CA8011539.